The following is an entry in ClinVar:

NM_000458.4(HNF1B):c.1299del (p.Ile434fs)

Gene: HNF1B (HNF1 homeobox B; minus strand). Cytogenetic location: 17q12.
Variant type: Deletion.
Coding change: c.1299del on transcript NM_000458.4 (MANE Select); coding-DNA position 1299, one base deleted (C; older notation c.1299delC).
Protein change: p.Ile434fs; shifts the reading frame from isoleucine 434.
Molecular consequence: frameshift variant.
Genome position (GRCh38, 1-based): chr17:37,704,957, G deleted on the plus strand (C on the coding strand, the reverse complement: HNF1B is on the minus strand). VCF-style (leftmost placement, unchanged base first): chr17-37704956-TG-T. GRCh37 (hg19) VCF-style: chr17-36064963-TG-T.
Other names: c.1221del, p.Ile408fs (NM_001165923.4, NM_001304286.2); short protein forms I408fs, I434fs.
Identifiers: ClinVar variation 635593 (VCV000635593.1), dbSNP rs2511709669, ClinGen allele CA913190647.
Genomic context (GRCh38, chr17:37,704,956, plus strand): 5'-CCAACCAAGAATAGAACTTACTTTGTGCAATTGCCATGACTCCAGAGAGGGGTGTCATGA[TG>T]AGGTTTTGAGATTGCTGGGGATTATGGTGGGAGAGGCTGTGGATATTCGTCAAGGTGCTG-3'

ClinVar aggregate classification (germline): Pathogenic (1 of 4 stars; one submission).

Conditions:
Renal cysts and diabetes syndrome (RCAD). Also called: Familial hypoplastic, glomerulocystic kidney; MATURITY-ONSET DIABETES OF THE YOUNG, TYPE 5. Identifiers: Orphanet 93111, MedGen C0431693, MONDO:0007669, OMIM 137920.

Submission:

Institute of Human Genetics, FAU Erlangen, Friedrich-Alexander-Universität Erlangen-Nürnberg
Classification: Pathogenic for Renal cysts and diabetes syndrome. Last evaluated: 2019-07-06. Review status: criteria provided, single submitter. Criteria: ACMG Guidelines, 2015. Collection method: literature only. Allele origin: germline. Affected: yes.
Comment: This variant and it's classification has been reported by Vasileiou et al. 2019; DOI:10.1101/576918. The variants has previously been reported in PMID:25500806 as "E6: c.1299delC (p.Ile434Serfs*) (NA) " with clinical significance Pathogenic. It has been re-classified using InterVar and manual curation as Pathogenic based on PVS1 PM2 PP3.

Literature cited by the submitters: PubMed 25500806; DOI 10.1101/576918.